The following is an entry in ClinVar:

ClinVar aggregate classification (germline): Uncertain significance (1 of 4 stars; one submission).

gnomAD v4.1: 31 of 1,613,122 alleles (0.0019%); highest among the groups gnomAD compares: South Asian, 0.0055%; no homozygotes.

Submission:

Labcorp Genetics (formerly Invitae), Labcorp
Classification: Uncertain significance. Last evaluated: 2025-07-10. Review status: criteria provided, single submitter. Criteria: Invitae Variant Classification Sherloc (09022015). Collection method: clinical testing. Allele origin: germline.
Comment: This sequence change replaces arginine, which is basic and polar, with glutamine, which is neutral and polar, at codon 777 of the ATP4A protein (p.Arg777Gln). This variant is present in population databases (rs369099819, gnomAD 0.006%). This variant has not been reported in the literature in individuals affected with ATP4A-related conditions. Invitae Evidence Modeling of protein sequence and biophysical properties (such as structural, functional, and spatial information, amino acid conservation, physicochemical variation, residue mobility, and thermodynamic stability) indicates that this missense variant is expected to disrupt ATP4A protein function with a positive predictive value of 80%. In summary, the available evidence is currently insufficient to determine the role of this variant in disease. Therefore, it has been classified as a Variant of Uncertain Significance.

NM_000704.3(ATP4A):c.2330G>A (p.Arg777Gln)

Gene: ATP4A (ATPase H+/K+ transporting subunit alpha; minus strand). Cytogenetic location: 19q13.12.
Variant type: single nucleotide variant.
Coding change: c.2330G>A on transcript NM_000704.3 (MANE Select); coding-DNA position 2330, G replaced by A.
Protein change: p.Arg777Gln; replaces arginine 777 with glutamine.
Molecular consequence: missense variant.
Genome position (GRCh38, 1-based): chr19:35,555,073, C>T on the plus strand (G>A on the coding strand, the complement: ATP4A is on the minus strand). VCF-style: chr19-35555073-C-T. GRCh37 (hg19) VCF-style: chr19-36045975-C-T.
Other names: short protein forms R777Q.
Identifiers: ClinVar variation 4707670 (VCV004707670.1).